The following is an entry in ClinVar:

ClinVar aggregate classification (germline): Conflicting classifications of pathogenicity. Review status: criteria provided, conflicting classifications (1 of 4 stars). 3 submissions from 3 submitters: Uncertain significance (1); Likely benign (2). Last evaluated 2026-08-18.

Conditions:
PROM1-related disorder. Also called: PROM1-related condition; PROM1-related disorders.

Allele frequency attached by ClinVar (database versions not stated): TOPMed 0.00003.
gnomAD v4.1: 12 of 1,607,036 alleles (0.00075%); highest among the groups gnomAD compares: African/African-American, 0.013%; no homozygotes.

Submissions (3):

PreventionGenetics, part of Exact Sciences
Classification: Likely benign for PROM1-related condition. Last evaluated: 2026-08-18. Review status: criteria provided, single submitter. Criteria: ACMG Guidelines, 2015. Collection method: clinical testing. Allele origin: germline.
Comment: This variant is classified as likely benign based on ACMG/AMP sequence variant interpretation guidelines (Richards et al. 2015 PMID: 25741868, with internal and published modifications).

Labcorp Genetics (formerly Invitae), Labcorp
Classification: Likely benign. Last evaluated: 2025-01-03. Review status: criteria provided, single submitter. Criteria: Invitae Variant Classification Sherloc (09022015). Collection method: clinical testing. Allele origin: germline.

Blueprint Genetics
Classification: Uncertain significance. Last evaluated: 2018-11-13. Review status: criteria provided, single submitter. Criteria: ACMG Guidelines, 2015. Collection method: clinical testing. Allele origin: germline.

NM_006017.3(PROM1):c.1768-4G>T

Gene: PROM1 (prominin 1; minus strand). Cytogenetic location: 4p15.32.
Variant type: single nucleotide variant.
Coding change: c.1768-4G>T on transcript NM_006017.3 (MANE Select); 4 bases into the intron before coding-DNA position 1768, G replaced by T.
Molecular consequence: intron variant.
Genome position (GRCh38, 1-based): chr4:15,992,395, C>A on the plus strand (G>T on the coding strand, the complement: PROM1 is on the minus strand). VCF-style: chr4-15992395-C-A. GRCh37 (hg19) VCF-style: chr4-15994018-C-A.
Other names: c.1741-4G>T (NM_001145848.2, NM_001145852.2, NM_001145847.2 and 4 more transcripts); c.1768-4G>T (NM_001145850.2, NM_001145849.2).
Identifiers: ClinVar variation 866225 (VCV000866225.11), dbSNP rs766013910, ClinGen allele CA2866629.
Genomic context (GRCh38, chr4:15,992,395, plus strand): 5'-AAAGATATTAAGATTTACCTTCAGACTTTCCAATTCACTGCTTATGCTTCCAGTATGCTG[C>A]GAAAAAAGGAAGTTACAAATCAGTCCCTTATTCTCCAAGAATGTCACAAACCAAATGCTT-3'